The following is an entry in ClinVar:

NM_006031.6(PCNT):c.5518C>G (p.Arg1840Gly)

Gene: PCNT (pericentrin; plus strand). Cytogenetic location: 21q22.3.
Variant type: single nucleotide variant.
Coding change: c.5518C>G on transcript NM_006031.6 (MANE Select); coding-DNA position 5518, C replaced by G.
Protein change: p.Arg1840Gly; replaces arginine 1840 with glycine.
Molecular consequence: missense variant.
Genome position (GRCh38, 1-based): chr21:46,411,591, C>G. VCF-style: chr21-46411591-C-G. GRCh37 (hg19) VCF-style: chr21-47831505-C-G.
Other names: c.5164C>G, p.Arg1722Gly (NM_001315529.2); short protein forms R1840G, R1722G.
Identifiers: ClinVar variation 4988883 (VCV004988883.1).

ClinVar aggregate classification (germline): Uncertain significance (1 of 4 stars; one submission).

Conditions:
PCNT-related disorder. Also called: PCNT-related condition.

gnomAD v4.1: 1 of 1,612,940 alleles (0.000062%); highest among the groups gnomAD compares: Admixed American, 0.0017%; no homozygotes.

Submission:

PreventionGenetics, part of Exact Sciences
Classification: Uncertain significance for PCNT-related condition. Last evaluated: 2026-08-12. Review status: criteria provided, single submitter. Criteria: ACMG Guidelines, 2015. Collection method: clinical testing. Allele origin: germline.
Comment: The PCNT c.5518C>G variant is predicted to result in the amino acid substitution p.Arg1840Gly. To our knowledge, this variant has not been reported in the literature or in a large population database, indicating this variant is rare. At this time, the clinical significance of this variant is uncertain due to the absence of conclusive functional and genetic evidence.